The following is an entry in ClinVar:

NM_001999.4(FBN2):c.3046G>T (p.Val1016Phe)

Genes: FBN2 (fibrillin 2; minus strand), LOC126807501 (BRD4-independent group 4 enhancer GRCh37_chr5:127680731-127681930; plus strand). Cytogenetic location: 5q23.3.
Variant type: single nucleotide variant.
Coding change: c.3046G>T on transcript NM_001999.4 (MANE Select); coding-DNA position 3046, G replaced by T.
Protein change: p.Val1016Phe; replaces valine 1016 with phenylalanine.
Molecular consequence: missense variant.
Genome position (GRCh38, 1-based): chr5:128,345,528, C>A on the plus strand (G>T on the coding strand, the complement: FBN2 is on the minus strand). VCF-style: chr5-128345528-C-A. GRCh37 (hg19) VCF-style: chr5-127681220-C-A.
Other names: short protein forms V1016F.
Identifiers: ClinVar variation 1720663 (VCV001720663.6), dbSNP rs773235785, ClinGen allele CA360764179.
Genomic context (GRCh38, chr5:128,345,528, plus strand): 5'-CGGTGCCCCAAGCCGCCCCGACAGCACAGCAGCAGGCATCCATGCGGAACTTTCCAGGAA[C>A]GGGGTGGATGCATTCATCTTCATCCCACTTCAAGTAACACTGCTCCATGCGAATATCTAC-3'
Protein context (NP_001990.2, residues 1006-1026): KWDEDECIHP[Val1016Phe]PGKFRMDACC

ClinVar aggregate classification (germline): Uncertain significance (1 of 4 stars; one submission).

Conditions:
Congenital contractural arachnodactyly (CCA). Also called: BEALS SYNDROME; Arthrogryposis, distal, type 9; Beals-Hecht syndrome. Identifiers: Orphanet 115, MedGen C0220668, MONDO:0007363, OMIM 121050.

Submission:

Labcorp Genetics (formerly Invitae), Labcorp
Classification: Uncertain significance for Congenital contractural arachnodactyly. Last evaluated: 2023-02-06. Review status: criteria provided, single submitter. Criteria: Invitae Variant Classification Sherloc (09022015). Collection method: clinical testing. Allele origin: germline.
Comment: In summary, the available evidence is currently insufficient to determine the role of this variant in disease. Therefore, it has been classified as a Variant of Uncertain Significance. Advanced modeling of protein sequence and biophysical properties (such as structural, functional, and spatial information, amino acid conservation, physicochemical variation, residue mobility, and thermodynamic stability) performed at Invitae indicates that this missense variant is not expected to disrupt FBN2 protein function. This sequence change replaces valine, which is neutral and non-polar, with phenylalanine, which is neutral and non-polar, at codon 1016 of the FBN2 protein (p.Val1016Phe). This variant is not present in population databases (gnomAD no frequency). This variant has not been reported in the literature in individuals affected with FBN2-related conditions. ClinVar contains an entry for this variant (Variation ID: 1720663).